The following is an entry in ClinVar:

NM_000081.4(LYST):c.8458G>A (p.Ala2820Thr)

Gene: LYST (lysosomal trafficking regulator; minus strand). Cytogenetic location: 1q42.3.
Variant type: single nucleotide variant.
Coding change: c.8458G>A on transcript NM_000081.4 (MANE Select); coding-DNA position 8458, G replaced by A.
Protein change: p.Ala2820Thr; replaces alanine 2820 with threonine.
Molecular consequence: missense variant.
Genome position (GRCh38, 1-based): chr1:235,734,560, C>T on the plus strand (G>A on the coding strand, the complement: LYST is on the minus strand). VCF-style: chr1-235734560-C-T. GRCh37 (hg19) VCF-style: chr1-235897860-C-T.
Other names: c.8458G>A, p.Ala2820Thr (NM_001301365.1); short protein forms A2820T.
Identifiers: ClinVar variation 2167142 (VCV002167142.4), dbSNP rs201321308, ClinGen allele CA1465855.
Genomic context (GRCh38, chr1:235,734,560, plus strand): 5'-TAAGGTCTGCTTTTGTTGATGCACTGGGAGGGATGCACTTGTGACCACATAACTTCAAAG[C>T]ATTCATAAGCAGTTCTGCTGTGCCTAGCTCTTCTTCAGTCAATTCACCTTGGTGATTATG-3'
Protein context (NP_000072.2, residues 2810-2830): ELGTAELLMN[Ala2820Thr]LKLCGHKCIP

ClinVar aggregate classification (germline): Uncertain significance (1 of 4 stars; one submission).

Conditions:
Chédiak-Higashi syndrome (CHS). Also called: Chediak-Higashi Syndrome. Identifiers: Orphanet 167, MedGen C0007965, MONDO:0008963, OMIM 214500.

Allele frequency attached by ClinVar (database versions not stated): gnomAD exomes below 0.00001; gnomAD 0.00001; ExAC 0.00002; 1000 Genomes Project 0.00060; 1000 Genomes Project 30x 0.00078.
gnomAD v4.1: 3 of 1,613,526 alleles (0.00019%); highest among the groups gnomAD compares: Admixed American, 0.005%; no homozygotes.

Submission:

Labcorp Genetics (formerly Invitae), Labcorp
Classification: Uncertain significance for Chédiak-Higashi syndrome. Last evaluated: 2022-07-11. Review status: criteria provided, single submitter. Criteria: Invitae Variant Classification Sherloc (09022015). Collection method: clinical testing. Allele origin: germline.
Comment: In summary, the available evidence is currently insufficient to determine the role of this variant in disease. Therefore, it has been classified as a Variant of Uncertain Significance. Algorithms developed to predict the effect of missense changes on protein structure and function output the following: SIFT: "Tolerated"; PolyPhen-2: "Benign"; Align-GVGD: "Class C0". The threonine amino acid residue is found in multiple mammalian species, which suggests that this missense change does not adversely affect protein function. This variant has not been reported in the literature in individuals affected with LYST-related conditions. This variant is present in population databases (rs201321308, gnomAD 0.006%), including at least one homozygous and/or hemizygous individual. This sequence change replaces alanine, which is neutral and non-polar, with threonine, which is neutral and polar, at codon 2820 of the LYST protein (p.Ala2820Thr).